The following is an entry in ClinVar:

NM_006245.4(PPP2R5D):c.917+16G>A

Gene: PPP2R5D (protein phosphatase 2 regulatory subunit B'delta; plus strand). Cytogenetic location: 6p21.1.
Variant type: single nucleotide variant.
Coding change: c.917+16G>A on transcript NM_006245.4 (MANE Select); 16 bases into the intron after coding-DNA position 917, G replaced by A.
Molecular consequence: intron variant.
Genome position (GRCh38, 1-based): chr6:43,008,276, G>A. VCF-style: chr6-43008276-G-A. GRCh37 (hg19) VCF-style: chr6-42976014-G-A.
Other names: c.464+16G>A (NM_001270476.2); c.821+16G>A (NM_180976.3); c.599+16G>A (NM_180977.3).
Identifiers: ClinVar variation 3003984 (VCV003003984.3), dbSNP rs372472214, ClinGen allele CA3811943.
Genomic context (GRCh38, chr6:43,008,276, plus strand): 5'-GGAGCATCACAACGGGATTGCTGAGCTCCTGGAGATCCTGGGCAGGTGAGAGGCCGGGTG[G>A]GGGCACAGATGCCTGAAAAAGGTTGGCAGGATTGGTGTACTGAACTTGGATCTGACCCTC-3'

ClinVar aggregate classification (germline): Uncertain significance (1 of 4 stars; one submission).

Allele frequency attached by ClinVar (database versions not stated): ExAC 0.00001; gnomAD exomes 0.00001; TOPMed 0.00001; ESP Exome Variant Server 0.00008.

Submission:

Labcorp Genetics (formerly Invitae), Labcorp
Classification: Uncertain significance. Last evaluated: 2023-10-18. Review status: criteria provided, single submitter. Criteria: Invitae Variant Classification Sherloc (09022015). Collection method: clinical testing. Allele origin: germline.
Comment: This sequence change falls in intron 8 of the PPP2R5D gene. It does not directly change the encoded amino acid sequence of the PPP2R5D protein. This variant is present in population databases (rs372472214, gnomAD 0.0009%). This variant has not been reported in the literature in individuals affected with PPP2R5D-related conditions. Algorithms developed to predict the effect of sequence changes on RNA splicing suggest that this variant may create or strengthen a splice site. In summary, the available evidence is currently insufficient to determine the role of this variant in disease. Therefore, it has been classified as a Variant of Uncertain Significance.